The following is an entry in ClinVar:

ClinVar aggregate classification (germline): Likely pathogenic (1 of 4 stars; one submission).

Conditions:
Cohen syndrome (COH1). Also called: PEPPER SYNDROME; Cutis verticis gyrata, retinitis pigmentosa, and sensorineural deafness. Identifiers: Orphanet 193, MedGen C0265223, MONDO:0008999, OMIM 216550.

Submission:

Natera, Inc.
Classification: Likely pathogenic for Cohen syndrome. Last evaluated: 2024-08-29. Review status: criteria provided, single submitter. Criteria: Natera Variant Classification Schema (03/2026). Collection method: clinical testing. Allele origin: germline.
Comment: The c.5494del variant in VPS13B is a frameshift variant predicted to shift the reading frame and introduce a stop codon. This variant is expected to result in nonsense mediated decay, truncation, or a dysfunctional protein product. This variant is rare in the general population with a frequency below the threshold expected for the associated phenotype(s). Given the available evidence, this variant is classified as Likely Pathogenic.

NM_152564.5(VPS13B):c.5419del (p.Asn1806_Leu1807insTer)

Gene: VPS13B (vacuolar protein sorting 13 homolog B; plus strand). Cytogenetic location: 8q22.2.
Variant type: Deletion.
Coding change: c.5419del on transcript NM_152564.5 (MANE Select); coding-DNA position 5419, one base deleted (C; older notation c.5419delC).
Protein change: p.Asn1806_Leu1807insTer.
Molecular consequence: nonsense. On other transcripts: frameshift variant (1).
Genome position (GRCh38, 1-based): chr8:99,642,009, C deleted. VCF-style (leftmost placement, unchanged base first): chr8-99642008-TC-T. GRCh37 (hg19) VCF-style: chr8-100654236-TC-T.
Other names: c.5494delC, p.Leu1832Terfs (NM_017890.4); c.5494del, p.Asn1831_Leu1832insTer (NM_017890.5).
Identifiers: ClinVar variation 4815958 (VCV004815958.1).